The following is an entry in ClinVar:

ClinVar aggregate classification (germline): Conflicting classifications of pathogenicity. Review status: criteria provided, conflicting classifications (1 of 4 stars). 3 submissions from 3 submitters: Uncertain significance (2); Likely benign (1). Last evaluated 2024-01-09.

Conditions:
Acrocallosal syndrome (ACLS). Also called: HALLUX DUPLICATION, POSTAXIAL POLYDACTYLY, AND ABSENCE OF CORPUS CALLOSUM; Schinzel syndrome 1; Absence of corpus callosum with unusual facial appearance, mental deficiency, duplication of the halluces and polydactyly. Identifiers: Orphanet 36, MedGen C0796147, MONDO:0008708, OMIM 200990.
Inborn genetic diseases. Identifiers: MedGen C0950123, MeSH D030342.
Hydrolethalus syndrome 2 (HLS2). Identifiers: Orphanet 2189, MedGen C3279899, MONDO:0013585, OMIM 614120.
Multiple epiphyseal dysplasia, Al-Gazali type. Also called: Macrocephaly with multiple epiphyseal dysplasia and distinctive facies. Identifiers: Orphanet 166024, MedGen C1846722, MONDO:0011778, OMIM 607131.

gnomAD v4.1: 46 of 1,610,246 alleles (0.0029%); highest among the groups gnomAD compares: African/African-American, 0.0093%; no homozygotes.

Submissions (3):

Fulgent Genetics
Classification: Uncertain significance for Acrocallosal syndrome; Multiple epiphyseal dysplasia, Al-Gazali type; Hydrolethalus syndrome 2. Last evaluated: 2024-01-09. Review status: criteria provided, single submitter. Criteria: ACMG Guidelines, 2015. Collection method: clinical testing. Allele origin: germline.

Ambry Genetics
Classification: Likely benign for Inborn genetic diseases. Last evaluated: 2023-07-12. Review status: criteria provided, single submitter. Criteria: Ambry Variant Classification Scheme 2023. Collection method: clinical testing. Allele origin: germline.

Labcorp Genetics (formerly Invitae), Labcorp
Classification: Uncertain significance for Acrocallosal syndrome. Last evaluated: 2022-10-13. Review status: criteria provided, single submitter. Criteria: Invitae Variant Classification Sherloc (09022015). Collection method: clinical testing. Allele origin: germline.
Comment: This sequence change replaces arginine, which is basic and polar, with glutamine, which is neutral and polar, at codon 782 of the KIF7 protein (p.Arg782Gln). In summary, the available evidence is currently insufficient to determine the role of this variant in disease. Therefore, it has been classified as a Variant of Uncertain Significance. Advanced modeling of protein sequence and biophysical properties (such as structural, functional, and spatial information, amino acid conservation, physicochemical variation, residue mobility, and thermodynamic stability) performed at Invitae indicates that this missense variant is not expected to disrupt KIF7 protein function. ClinVar contains an entry for this variant (Variation ID: 1401610). This variant has not been reported in the literature in individuals affected with KIF7-related conditions. This variant is present in population databases (rs749948143, gnomAD 0.01%).

NM_198525.3(KIF7):c.2345G>A (p.Arg782Gln)

Gene: KIF7 (kinesin family member 7; minus strand). Cytogenetic location: 15q26.1.
Variant type: single nucleotide variant.
Coding change: c.2345G>A on transcript NM_198525.3 (MANE Select); coding-DNA position 2345, G replaced by A.
Protein change: p.Arg782Gln; replaces arginine 782 with glutamine.
Molecular consequence: missense variant.
Genome position (GRCh38, 1-based): chr15:89,642,252, C>T on the plus strand (G>A on the coding strand, the complement: KIF7 is on the minus strand). VCF-style: chr15-89642252-C-T. GRCh37 (hg19) VCF-style: chr15-90185483-C-T.
Other names: c.2345G>A (NM_198525.2); short protein forms R782Q.
Identifiers: ClinVar variation 1401610 (VCV001401610.10), dbSNP rs749948143, ClinGen allele CA7728226.